The following is an entry in ClinVar:

ClinVar aggregate classification (germline): Benign. Review status: criteria provided, multiple submitters, no conflicts (2 of 4 stars). 6 submissions from 6 submitters: Benign (5). 1 of the submissions does not count toward it. Last evaluated 2026-01-28.

Conditions:
Renal tubular acidosis with progressive nerve deafness. Also called: RENAL TUBULAR ACIDOSIS, AUTOSOMAL RECESSIVE, WITH PROGRESSIVE NERVE DEAFNESS; RTA WITH PROGRESSIVE NERVE DEAFNESS; Distal Renal Tubular Acidosis with Progressive Sensorineural Deafness; renal tubular acidosis, distal, 2, with progressive sensorineural hearing loss. Identifiers: MedGen C0403554, MONDO:0009968, OMIM 267300.

Allele frequency attached by ClinVar (database versions not stated): gnomAD 0.00058 and 0.00075; gnomAD exomes 0.00067 and 0.00196; TOPMed 0.00124; ExAC 0.00199; 1000 Genomes Project 30x 0.00344; 1000 Genomes Project 0.00379.
gnomAD v4.1: 1,086 of 1,613,658 alleles (0.067%); highest among the groups gnomAD compares: East Asian, 2.1%; 16 homozygotes.

Submissions (6):

Labcorp Genetics (formerly Invitae), Labcorp
Classification: Benign. Last evaluated: 2026-01-28. Review status: criteria provided, single submitter. Criteria: Invitae Variant Classification Sherloc (09022015). Collection method: clinical testing. Allele origin: germline.

Mayo Clinic Laboratories, Mayo Clinic
Classification: Benign. Last evaluated: 2024-12-11. Review status: criteria provided, single submitter. Criteria: ACMG Guidelines, 2015. Collection method: clinical testing. Allele origin: germline. Observed: 2 variant alleles.
Comment: BS1, BS2, BP4, BP7

GeneDx
Classification: Benign. Last evaluated: 2019-10-07. Review status: criteria provided, single submitter. Criteria: GeneDx Variant Classification Process June 2021. Collection method: clinical testing. Allele origin: germline. Affected: yes.
Comment: This variant is associated with the following publications: (PMID: 27767102)

Illumina Laboratory Services, Illumina
Classification: Benign for Renal tubular acidosis with progressive nerve deafness. Last evaluated: 2018-01-12. Review status: criteria provided, single submitter. Criteria: ICSL Variant Classification Criteria 13 December 2019. Collection method: clinical testing. Allele origin: germline.
Comment: This variant was observed in the ICSL laboratory as part of a predisposition screen in an ostensibly healthy population. It had not been previously curated by ICSL or reported in the Human Gene Mutation Database (HGMD: prior to June 1st, 2018), and was therefore a candidate for classification through an automated scoring system. Utilizing variant allele frequency, disease prevalence and penetrance estimates, and inheritance mode, an automated score was calculated to assess if this variant is too frequent to cause the disease. Based on the score and internal cut-off values, a variant classified as benign is not then subjected to further curation. The score for this variant resulted in a classification of benign for this disease.

Laboratory for Molecular Medicine, Mass General Brigham Personalized Medicine
Classification: Benign. Last evaluated: 2012-05-07. Review status: criteria provided, single submitter. Criteria: LMM Criteria. Collection method: clinical testing. Allele origin: germline. Observed: 2 variant alleles.
Comment: "Ser341Ser in Exon 10 of ATP6V1B1: This variant is not expected to have clinical significance because it does not alter an amino acid residue, is not located wi thin the splice consensus sequence, and has been identified in 5.0% (6/120) of c hromosomes from a population in the dbSNP database (projects/SNP; rs117826071)."

Natera, Inc.
Classification: Likely benign for Renal tubular acidosis with progressive nerve deafness. Last evaluated: 2019-12-10. Review status: no assertion criteria provided. Collection method: clinical testing. Allele origin: germline. Not counted in ClinVar's aggregate classification.

NM_001692.4(ATP6V1B1):c.1023C>T (p.Ser341=)

Gene: ATP6V1B1 (ATPase H+ transporting V1 subunit B1; plus strand). Cytogenetic location: 2p13.3.
Variant type: single nucleotide variant.
Coding change: c.1023C>T on transcript NM_001692.4 (MANE Select); coding-DNA position 1023, C replaced by T.
Protein change: p.Ser341=; no amino-acid change (serine 341 retained).
Molecular consequence: synonymous variant.
Genome position (GRCh38, 1-based): chr2:70,963,275, C>T. VCF-style: chr2-70963275-C-T. GRCh37 (hg19) VCF-style: chr2-71190405-C-T.
Other names: p.Ser341=.
Identifiers: ClinVar variation 336922 (VCV000336922.24), dbSNP rs117826071, ClinGen allele CA1701223.